The following is an entry in ClinVar:

NM_001378030.1(CCDC78):c.155C>T (p.Ala52Val)

Gene: CCDC78 (coiled-coil domain containing 78; minus strand). Cytogenetic location: 16p13.3.
Variant type: single nucleotide variant.
Coding change: c.155C>T on transcript NM_001378030.1 (MANE Select); coding-DNA position 155, C replaced by T.
Protein change: p.Ala52Val; replaces alanine 52 with valine.
Molecular consequence: missense variant. On other transcripts: 5 prime UTR variant (1), non-coding transcript variant (5).
Genome position (GRCh38, 1-based): chr16:725,991, G>A on the plus strand (C>T on the coding strand, the complement: CCDC78 is on the minus strand). VCF-style: chr16-725991-G-A. GRCh37 (hg19) VCF-style: chr16-775991-G-A.
Other names: c.155C>T, p.Ala52Val (NM_001031737.3, NM_001378031.1); c.-131C>T (NM_001378033.1); short protein forms A52V.
Identifiers: ClinVar variation 834801 (VCV000834801.10), dbSNP rs1432121366, ClinGen allele CA394105485.
Genomic context (GRCh38, chr16:725,991, plus strand): 5'-CCCTCCTCACGAGCACGCTGGGGCCCCACACCCACCTGCAGCTGCTGCTCCTTATTGAGC[G>A]CTAGATCTGGTGGGACCTCTGCTTCCAAGCTGGTGGCCCACACTGCGGTGCCCCCAGGAG-3'
Protein context (NP_001364959.1, residues 42-62): SLEAEVPPDL[Ala52Val]LNKEQQLQIS

ClinVar aggregate classification (germline): Conflicting classifications of pathogenicity. Review status: criteria provided, conflicting classifications (1 of 4 stars). 2 submissions from 2 submitters: Uncertain significance (1); Likely benign (1). Last evaluated 2025-08-03.

Conditions:
Inborn genetic diseases. Identifiers: MedGen C0950123, MeSH D030342.
Congenital myopathy with internal nuclei and atypical cores. Also called: Myopathy, centronuclear, 4. Identifiers: Orphanet 319160, MedGen C4707232, MONDO:0013890, OMIM 614807.

Allele frequency attached by ClinVar (database versions not stated): gnomAD exomes 0.00002.
gnomAD v4.1: 14 of 1,550,958 alleles (0.0009%); highest among the groups gnomAD compares: East Asian, 0.0024%; no homozygotes.

Submissions (2):

Ambry Genetics
Classification: Likely benign for Inborn genetic diseases. Last evaluated: 2025-08-03. Review status: criteria provided, single submitter. Criteria: Ambry Variant Classification Scheme 2023. Collection method: clinical testing. Allele origin: germline.

Labcorp Genetics (formerly Invitae), Labcorp
Classification: Uncertain significance for Congenital myopathy with internal nuclei and atypical cores. Last evaluated: 2025-06-03. Review status: criteria provided, single submitter. Criteria: Invitae Variant Classification Sherloc (09022015). Collection method: clinical testing. Allele origin: germline.
Comment: This sequence change replaces alanine, which is neutral and non-polar, with valine, which is neutral and non-polar, at codon 52 of the CCDC78 protein (p.Ala52Val). The frequency data for this variant in the population databases is considered unreliable, as metrics indicate poor data quality at this position in the gnomAD database. This variant has not been reported in the literature in individuals affected with CCDC78-related conditions. ClinVar contains an entry for this variant (Variation ID: 834801). Invitae Evidence Modeling of protein sequence and biophysical properties (such as structural, functional, and spatial information, amino acid conservation, physicochemical variation, residue mobility, and thermodynamic stability) indicates that this missense variant is not expected to disrupt CCDC78 protein function with a negative predictive value of 80%. In summary, the available evidence is currently insufficient to determine the role of this variant in disease. Therefore, it has been classified as a Variant of Uncertain Significance.